The following is an entry in ClinVar:

NM_001903.5(CTNNA1):c.1732C>T (p.Leu578=)

Gene: CTNNA1 (catenin alpha 1; plus strand). Cytogenetic location: 5q31.2.
Variant type: single nucleotide variant.
Coding change: c.1732C>T on transcript NM_001903.5 (MANE Select); coding-DNA position 1732, C replaced by T.
Protein change: p.Leu578=; no amino-acid change (leucine 578 retained).
Molecular consequence: synonymous variant.
Genome position (GRCh38, 1-based): chr5:138,924,695, C>T. VCF-style: chr5-138924695-C-T. GRCh37 (hg19) VCF-style: chr5-138260384-C-T.
Other names: c.1732C>T (NM_001903.2); c.1732C>T, p.Leu578= (NM_001290307.3, NM_001323982.2, NM_001323983.1 and 2 more transcripts); c.1423C>T, p.Leu475= (NM_001290309.3); c.1363C>T, p.Leu455= (NM_001290310.3); c.622C>T, p.Leu208= (NM_001290312.1, NM_001323987.1, NM_001323988.1 and 17 more transcripts); c.1639C>T, p.Leu547= (NM_001323986.2); c.283C>T, p.Leu95= (NM_001324006.1, NM_001324007.1, NM_001324008.1 and 2 more transcripts); c.529C>T, p.Leu177= (NM_001324011.1); and 1 more.
Identifiers: ClinVar variation 756017 (VCV000756017.10), dbSNP rs1272460374, ClinGen allele CA446597130.

ClinVar aggregate classification (germline): Benign/Likely benign. Review status: criteria provided, multiple submitters, no conflicts (2 of 4 stars). 3 submissions from 3 submitters: Benign (1); Likely benign (2). Last evaluated 2025-04-11.

Conditions:
Hereditary cancer-predisposing syndrome. Also called: Tumor predisposition; Hereditary Cancer Syndrome; Neoplastic Syndromes, Hereditary; Hereditary neoplastic syndrome. Identifiers: Orphanet 140162, MedGen C0027672, MeSH D009386, MONDO:0015356.
Hereditary diffuse gastric adenocarcinoma (HDGC). Also called: DIFFUSE GASTRIC AND LOBULAR BREAST CANCER SYNDROME. Identifiers: Orphanet 26106, MedGen C1708349, MONDO:0007648, OMIM 137215.

Allele frequency attached by ClinVar (database versions not stated): gnomAD exomes 0.00001.
gnomAD v4.1: 8 of 1,579,600 alleles (0.00051%); highest among the groups gnomAD compares: Non-Finnish European, 0.0006%; no homozygotes.

Submissions (3):

Ambry Genetics
Classification: Likely benign for Hereditary cancer-predisposing syndrome. Last evaluated: 2025-04-11. Review status: criteria provided, single submitter. Criteria: Ambry Variant Classification Scheme 2023. Collection method: clinical testing. Allele origin: germline.

Myriad Genetics, Inc.
Classification: Benign for Hereditary diffuse gastric adenocarcinoma. Last evaluated: 2024-10-14. Review status: criteria provided, single submitter. Criteria: Myriad Autosomal Dominant, Autosomal Recessive and X-Linked Classification Criteria (2023). Collection method: clinical testing. Allele origin: unknown.
Comment: This variant is considered benign. This variant is a silent/synonymous amino acid change and it is not expected to impact splicing.

Labcorp Genetics (formerly Invitae), Labcorp
Classification: Likely benign. Last evaluated: 2024-02-22. Review status: criteria provided, single submitter. Criteria: Invitae Variant Classification Sherloc (09022015). Collection method: clinical testing. Allele origin: germline.